The following is an entry in ClinVar:

ClinVar aggregate classification (germline): Uncertain significance (1 of 4 stars; one submission).

Conditions:
Cystathioninuria. Also called: CYSTATHIONASE DEFICIENCY. Identifiers: Orphanet 212, MedGen C0220993, MONDO:0009058, OMIM 219500, HP:0003153.

Allele frequency attached by ClinVar (database versions not stated): TOPMed 0.00010.
gnomAD v4.1: 48 of 1,570,706 alleles (0.0031%); highest among the groups gnomAD compares: Non-Finnish European, 0.00044%; no homozygotes.

Submission:

Illumina Laboratory Services, Illumina
Classification: Uncertain significance for Cystathioninuria. Last evaluated: 2017-04-27. Review status: criteria provided, single submitter. Criteria: ICSL Variant Classification Criteria 13 December 2019. Collection method: clinical testing. Allele origin: germline.
Comment: This variant was observed as part of a predisposition screen in an ostensibly healthy population. A literature search was performed for the gene, cDNA change, and amino acid change (where applicable). Publications were found based on this search. However, the evidence from the literature, in combination with allele frequency data from public databases where available, was not sufficient to rule this variant in or out of causing disease. Therefore, this variant is classified as a variant of unknown significance.

Literature cited by the submitters: PubMed 19428278.

NM_001902.6(CTH):c.710G>T (p.Arg237Leu)

Gene: CTH (cystathionine gamma-lyase; plus strand). Cytogenetic location: 1p31.1.
Variant type: single nucleotide variant.
Coding change: c.710G>T on transcript NM_001902.6 (MANE Select); coding-DNA position 710, G replaced by T.
Protein change: p.Arg237Leu; replaces arginine 237 with leucine.
Molecular consequence: missense variant.
Genome position (GRCh38, 1-based): chr1:70,430,380, G>T. VCF-style: chr1-70430380-G-T. GRCh37 (hg19) VCF-style: chr1-70896063-G-T.
Other names: c.614G>T, p.Arg205Leu (NM_001190463.2); c.578G>T, p.Arg193Leu (NM_153742.5); short protein forms R193L, R205L, R237L.
Identifiers: ClinVar variation 874347 (VCV000874347.4), dbSNP rs147044875, ClinGen allele CA906262.